The following is an entry in ClinVar:

NM_000321.3(RB1):c.-45C>A

Gene: RB1 (RB transcriptional corepressor 1; plus strand). Cytogenetic location: 13q14.2.
Variant type: single nucleotide variant.
Coding change: c.-45C>A on transcript NM_000321.3 (MANE Select); 45 bases upstream of the start codon, C replaced by A.
Molecular consequence: 5 prime UTR variant.
Genome position (GRCh38, 1-based): chr13:48,303,868, C>A. VCF-style: chr13-48303868-C-A. GRCh37 (hg19) VCF-style: chr13-48878004-C-A.
Other names: c.-45C>A (NM_001407165.1, NM_001407166.1, NM_001407167.1).
Identifiers: ClinVar variation 4711260 (VCV004711260.1).
Genomic context (GRCh38, chr13:48,303,868, plus strand): 5'-TTGTAACGGGAGTCGGGAGAGGACGGGGCGTGCCCCGACGTGCGCGCGCGTCGTCCTCCC[C>A]GGCGCTCCTCCACAGCTCGCTGGCTCCCGCCGCGGAAAGGCGTCATGCCGCCCAAAACCC-3'

ClinVar aggregate classification (germline): Uncertain significance (1 of 4 stars; one submission).

Conditions:
Retinoblastoma (RB1). Also called: RETINOBLASTOMA, SOMATIC. Identifiers: Orphanet 790, MedGen C0035335, MeSH D012175, MONDO:0008380, OMIM 180200, HP:0009919. Disease mechanism: loss of function. Inheritance: Both sporadic and heritable forms are tested..

gnomAD v4.1: 2 of 1,506,118 alleles (0.00013%); highest among the groups gnomAD compares: Non-Finnish European, 0.00018%; no homozygotes.

Submission:

Labcorp Genetics (formerly Invitae), Labcorp
Classification: Uncertain significance for Retinoblastoma. Last evaluated: 2025-05-14. Review status: criteria provided, single submitter. Criteria: Invitae Variant Classification Sherloc (09022015). Collection method: clinical testing. Allele origin: germline.
Comment: This variant occurs in a non-coding region of the RB1 gene. It does not change the encoded amino acid sequence of the RB1 protein. This variant is not present in population databases (gnomAD no frequency). This variant has not been reported in the literature in individuals affected with RB1-related conditions. In summary, the available evidence is currently insufficient to determine the role of this variant in disease. Therefore, it has been classified as a Variant of Uncertain Significance.